The following is an entry in ClinVar:

ClinVar aggregate classification (germline): Uncertain significance. Review status: criteria provided, multiple submitters, no conflicts (2 of 4 stars). 3 submissions from 3 submitters: Uncertain significance (3). Last evaluated 2024-12-30.

Conditions:
Inborn genetic diseases. Identifiers: MedGen C0950123, MeSH D030342.
Acute myeloid leukemia (AML). Also called: Leukemia, acute myeloid, somatic; Leukemia, acute myelogenous, somatic; Acute myeloid leukemia, adult; AML adult; Acute non-lymphocytic leukemia; Acute granulocytic leukemia. Identifiers: Orphanet 519, MedGen C0023467, MeSH D015470, MONDO:0018874, OMIM 601626, HP:0004808. Disease mechanism: Constitutively activated FLT3.

Allele frequency attached by ClinVar (database versions not stated): gnomAD exomes below 0.00001.

Submissions (3):

Ambry Genetics
Classification: Uncertain significance for Inborn genetic diseases. Last evaluated: 2024-12-30. Review status: criteria provided, single submitter. Criteria: Ambry Variant Classification Scheme 2023. Collection method: clinical testing. Allele origin: germline.
Comment: The p.P115S variant (also known as c.343C>T), located in coding exon 1 of the CEBPA gene, results from a C to T substitution at nucleotide position 343. The proline at codon 115 is replaced by serine, an amino acid with similar properties. This amino acid position is conserved. In addition, this alteration is predicted to be tolerated by in silico analysis. Based on the available evidence, the clinical significance of this variant remains unclear.

GeneDx
Classification: Uncertain significance. Last evaluated: 2022-10-28. Review status: criteria provided, single submitter. Criteria: GeneDx Variant Classification Process June 2021. Collection method: clinical testing. Allele origin: germline. Affected: yes.
Comment: Not observed at significant frequency in large population cohorts (gnomAD); In silico analysis supports that this missense variant does not alter protein structure/function; Has not been previously published as pathogenic or benign to our knowledge

Labcorp Genetics (formerly Invitae), Labcorp
Classification: Uncertain significance for Acute myeloid leukemia. Last evaluated: 2022-08-12. Review status: criteria provided, single submitter. Criteria: Invitae Variant Classification Sherloc (09022015). Collection method: clinical testing. Allele origin: germline.
Comment: In summary, the available evidence is currently insufficient to determine the role of this variant in disease. Therefore, it has been classified as a Variant of Uncertain Significance. Algorithms developed to predict the effect of missense changes on protein structure and function output the following: SIFT: "Tolerated"; PolyPhen-2: "Benign"; Align-GVGD: "Class C0". The serine amino acid residue is found in multiple mammalian species, which suggests that this missense change does not adversely affect protein function. ClinVar contains an entry for this variant (Variation ID: 1419378). This variant has not been reported in the literature in individuals affected with CEBPA-related conditions. The frequency data for this variant in the population databases is considered unreliable, as metrics indicate insufficient coverage at this position in the gnomAD database. This sequence change replaces proline, which is neutral and non-polar, with serine, which is neutral and polar, at codon 115 of the CEBPA protein (p.Pro115Ser).

NM_004364.5(CEBPA):c.343C>T (p.Pro115Ser)

Gene: CEBPA (CCAAT enhancer binding protein alpha; minus strand). Cytogenetic location: 19q13.11.
Variant type: single nucleotide variant.
Coding change: c.343C>T on transcript NM_004364.5 (MANE Select); coding-DNA position 343, C replaced by T.
Protein change: p.Pro115Ser; replaces proline 115 with serine.
Molecular consequence: missense variant. On other transcripts: 5 prime UTR variant (1).
Genome position (GRCh38, 1-based): chr19:33,302,072, G>A on the plus strand (C>T on the coding strand, the complement: CEBPA is on the minus strand). VCF-style: chr19-33302072-G-A. GRCh37 (hg19) VCF-style: chr19-33792978-G-A.
Other names: c.-15C>T (NM_001285829.2); c.448C>T, p.Pro150Ser (NM_001287424.2); c.301C>T, p.Pro101Ser (NM_001287435.2); c.343C>T (NM_004364.3); short protein forms P101S, P115S, P150S.
Identifiers: ClinVar variation 1419378 (VCV001419378.10), dbSNP rs2145262821, ClinGen allele CA405275148.